The following is an entry in ClinVar:

ClinVar aggregate classification (germline): Uncertain significance. Review status: criteria provided, multiple submitters, no conflicts (2 of 4 stars). 2 submissions from 2 submitters: Uncertain significance (2). Last evaluated 2022-08-10.

Conditions:
Hereditary cancer-predisposing syndrome. Also called: Neoplastic Syndromes, Hereditary; Tumor predisposition; Hereditary Cancer Syndrome; Hereditary neoplastic syndrome. Identifiers: Orphanet 140162, MedGen C0027672, MeSH D009386, MONDO:0015356.
Familial adenomatous polyposis 1 (FAP1). Also called: FAMILIAL ADENOMATOUS POLYPOSIS 1, ATTENUATED; POLYPOSIS, ADENOMATOUS INTESTINAL. Identifiers: MedGen C2713442, MONDO:0021056, OMIM 175100. Disease mechanism: loss of function.

Submissions (2):

Ambry Genetics
Classification: Uncertain significance for Hereditary cancer-predisposing syndrome. Last evaluated: 2022-08-10. Review status: criteria provided, single submitter. Criteria: Ambry Variant Classification Scheme 2023. Collection method: clinical testing. Allele origin: germline.
Comment: The p.V2561I variant (also known as c.7681G>A), located in coding exon 15 of the APC gene, results from a G to A substitution at nucleotide position 7681. The valine at codon 2561 is replaced by isoleucine, an amino acid with highly similar properties. This amino acid position is conserved. In addition, in silico predictors for this gene do not accurately predict pathogenicity. Since supporting evidence is limited at this time, the clinical significance of this alteration remains unclear.

Labcorp Genetics (formerly Invitae), Labcorp
Classification: Uncertain significance for Familial adenomatous polyposis 1. Last evaluated: 2022-06-28. Review status: criteria provided, single submitter. Criteria: Invitae Variant Classification Sherloc (09022015). Collection method: clinical testing. Allele origin: germline.
Comment: In summary, the available evidence is currently insufficient to determine the role of this variant in disease. Therefore, it has been classified as a Variant of Uncertain Significance. Algorithms developed to predict the effect of missense changes on protein structure and function are either unavailable or do not agree on the potential impact of this missense change (SIFT: "Tolerated"; PolyPhen-2: "Probably Damaging"; Align-GVGD: "Class C0"). This variant has not been reported in the literature in individuals affected with APC-related conditions. This variant is not present in population databases (gnomAD no frequency). This sequence change replaces valine, which is neutral and non-polar, with isoleucine, which is neutral and non-polar, at codon 2561 of the APC protein (p.Val2561Ile).

NM_000038.6(APC):c.7681G>A (p.Val2561Ile)

Gene: APC (APC regulator of Wnt signaling pathway; plus strand). Cytogenetic location: 5q22.2.
Variant type: single nucleotide variant.
Coding change: c.7681G>A on transcript NM_000038.6 (MANE Select); coding-DNA position 7681, G replaced by A.
Protein change: p.Val2561Ile; replaces valine 2561 with isoleucine.
Molecular consequence: missense variant.
Genome position (GRCh38, 1-based): chr5:112,843,275, G>A. VCF-style: chr5-112843275-G-A. GRCh37 (hg19) VCF-style: chr5-112178972-G-A.
Other names: c.7681G>A, p.Val2561Ile (NM_001127510.3, NM_001354895.2, NM_001407450.1); c.7627G>A, p.Val2543Ile (NM_001127511.3); c.7735G>A, p.Val2579Ile (NM_001354896.2, NM_001407447.1, NM_001407448.1 and 1 more transcripts); c.7711G>A, p.Val2571Ile (NM_001354897.2); c.7606G>A, p.Val2536Ile (NM_001354898.2); c.7597G>A, p.Val2533Ile (NM_001354899.2); c.7558G>A, p.Val2520Ile (NM_001354900.2); c.7504G>A, p.Val2502Ile (NM_001354901.2, NM_001407453.1); and 11 more; short protein forms V2432I, V2536I, V2554I, V2579I, V2589I, V2177I, V2278I, V2401I.
Identifiers: ClinVar variation 1760119 (VCV001760119.7), dbSNP rs1766540317, ClinGen allele CA16038011.